The following is an entry in ClinVar:

ClinVar aggregate classification (germline): Uncertain significance. Review status: criteria provided, multiple submitters, no conflicts (2 of 4 stars). 3 submissions from 3 submitters: Uncertain significance (3). Last evaluated 2024-09-11.

Conditions:
Glycogen storage disease IXb (GSD9B). Also called: GLYCOGENOSIS OF LIVER AND MUSCLE, AUTOSOMAL RECESSIVE; GSD IXb; PHOSPHORYLASE KINASE DEFICIENCY OF LIVER AND MUSCLE, AUTOSOMAL RECESSIVE. Identifiers: Orphanet 79240, MedGen C0543514, MONDO:0009868, OMIM 261750.
Inborn genetic diseases. Identifiers: MedGen C0950123, MeSH D030342.

Allele frequency attached by ClinVar (database versions not stated): gnomAD 0.00002; gnomAD exomes 0.00003 and 0.00009; ExAC 0.00006; ESP Exome Variant Server 0.00008; TOPMed 0.00011.
gnomAD v4.1: 58 of 1,595,220 alleles (0.0036%); highest among the groups gnomAD compares: Admixed American, 0.025%; no homozygotes.

Submissions (3):

Ambry Genetics
Classification: Uncertain significance for Inborn genetic diseases. Last evaluated: 2024-09-11. Review status: criteria provided, single submitter. Criteria: Ambry Variant Classification Scheme 2023. Collection method: clinical testing. Allele origin: germline.

Blueprint Genetics
Classification: Uncertain significance. Last evaluated: 2024-03-23. Review status: criteria provided, single submitter. Criteria: ACMG Guidelines, 2015. Collection method: clinical testing. Allele origin: germline.

Labcorp Genetics (formerly Invitae), Labcorp
Classification: Uncertain significance for Glycogen storage disease IXb. Last evaluated: 2022-10-17. Review status: criteria provided, single submitter. Criteria: Invitae Variant Classification Sherloc (09022015). Collection method: clinical testing. Allele origin: germline.
Comment: This sequence change replaces arginine, which is basic and polar, with glutamine, which is neutral and polar, at codon 1041 of the PHKB protein (p.Arg1041Gln). This variant is present in population databases (rs372327608, gnomAD 0.03%). This variant has not been reported in the literature in individuals affected with PHKB-related conditions. ClinVar contains an entry for this variant (Variation ID: 1518799). Algorithms developed to predict the effect of missense changes on protein structure and function output the following: SIFT: "Tolerated"; PolyPhen-2: "Benign"; Align-GVGD: "Class C0". The glutamine amino acid residue is found in multiple mammalian species, which suggests that this missense change does not adversely affect protein function. In summary, the available evidence is currently insufficient to determine the role of this variant in disease. Therefore, it has been classified as a Variant of Uncertain Significance.

NM_000293.3(PHKB):c.3122G>A (p.Arg1041Gln)

Gene: PHKB (phosphorylase kinase regulatory subunit beta; plus strand). Cytogenetic location: 16q12.1.
Variant type: single nucleotide variant.
Coding change: c.3122G>A on transcript NM_000293.3 (MANE Select); coding-DNA position 3122, G replaced by A.
Protein change: p.Arg1041Gln; replaces arginine 1041 with glutamine.
Molecular consequence: missense variant.
Genome position (GRCh38, 1-based): chr16:47,698,566, G>A. VCF-style: chr16-47698566-G-A. GRCh37 (hg19) VCF-style: chr16-47732477-G-A.
Other names: c.3101G>A, p.Arg1034Gln (NM_001031835.3); c.3122G>A, p.Arg1041Gln (NM_001363837.1); c.3122G>A (NM_000293.2); short protein forms R1034Q, R1041Q.
Identifiers: ClinVar variation 1518799 (VCV001518799.5), dbSNP rs372327608, ClinGen allele CA8041434.
Genomic context (GRCh38, chr16:47,698,566, plus strand): 5'-AAGTAGATCTAGACAGACTGGTCAAAGAAGCATTTAATGAATTTCAAAAAGATCAGAGTC[G>A]GCTAAAGGAAATTGAAAAACAAGTAAGTACACAGCTTTTTTTTTTTTTTTTTTTTTGAGA-3'
Protein context (NP_000284.1, residues 1031-1051): AFNEFQKDQS[Arg1041Gln]LKEIEKQDDM